The following is an entry in ClinVar:

ClinVar aggregate classification (germline): Uncertain significance (1 of 4 stars; one submission).

Conditions:
Familial intrahepatic cholestasis. Identifiers: Orphanet 284385, MedGen CN296401, MONDO:0017290.

gnomAD v4.1: 2 of 1,560,258 alleles (0.00013%); highest among the groups gnomAD compares: Non-Finnish European, 0.00017%; no homozygotes.

Submission:

Genomenon, Inc
Classification: Uncertain significance for Familial intrahepatic cholestasis. Last evaluated: 2026-04-14. Review status: criteria provided, single submitter. Criteria: Genomenon Sequence Variant Interpretation Standards - Updated. Collection method: curation. Allele origin: germline. Affected: no.
Comment: ABCB11 p.Ile134Met (c.402C>G) is a missense variant that changes the amino acid at residue 134 from Isoleucine to Methionine. This variant has been reported in the published literature (PMID:38097767). It is absent or not present at a significant frequency in gnomAD. In conclusion, we classify ABCB11 p.Ile134Met (c.402C>G) as a variant of uncertain significance.

Literature cited by the submitters: PubMed 38097767.

NM_003742.4(ABCB11):c.402C>G (p.Ile134Met)

Gene: ABCB11 (ATP binding cassette subfamily B member 11; minus strand). Cytogenetic location: 2q31.1.
Variant type: single nucleotide variant.
Coding change: c.402C>G on transcript NM_003742.4 (MANE Select); coding-DNA position 402, C replaced by G.
Protein change: p.Ile134Met; replaces isoleucine 134 with methionine.
Molecular consequence: missense variant.
Genome position (GRCh38, 1-based): chr2:168,996,710, G>C on the plus strand (C>G on the coding strand, the complement: ABCB11 is on the minus strand). VCF-style: chr2-168996710-G-C. GRCh37 (hg19) VCF-style: chr2-169853220-G-C.
Other names: short protein forms I134M.
Identifiers: ClinVar variation 4846045 (VCV004846045.1).